The following is an entry in ClinVar:

NM_014975.3(MAST1):c.2944C>G (p.Arg982Gly)

Gene: MAST1 (microtubule associated serine/threonine kinase 1; plus strand). Cytogenetic location: 19p13.13.
Variant type: single nucleotide variant.
Coding change: c.2944C>G on transcript NM_014975.3 (MANE Select); coding-DNA position 2944, C replaced by G.
Protein change: p.Arg982Gly; replaces arginine 982 with glycine.
Molecular consequence: missense variant.
Genome position (GRCh38, 1-based): chr19:12,869,236, C>G. VCF-style: chr19-12869236-C-G. GRCh37 (hg19) VCF-style: chr19-12980050-C-G.
Other names: short protein forms R982G.
Identifiers: ClinVar variation 2649351 (VCV002649351.24), dbSNP rs1239496355, ClinGen allele CA404283846.
Genomic context (GRCh38, chr19:12,869,236, plus strand): 5'-AGTGGGCTCCGCTCCCCCATCACCATCCAGCGCTCGGGCAAGAAGTATGGCTTCACACTG[C>G]GTGCCATCCGTGTCTACATGGGTGACACGGATGTCTATAGTGTCCACCACATTGTCTGGG-3'
Protein context (NP_055790.1, residues 972-992): RSGKKYGFTL[Arg982Gly]AIRVYMGDTD

ClinVar aggregate classification (germline): Uncertain significance (1 of 4 stars; one submission).

Allele frequency attached by ClinVar (database versions not stated): TOPMed below 0.00001.

Submission:

CeGaT Center for Human Genetics Tuebingen
Classification: Uncertain significance. Last evaluated: 2025-04-01. Review status: criteria provided, single submitter. Criteria: CeGaT Center For Human Genetics Tuebingen Variant Classification Criteria Version 2. Collection method: clinical testing. Allele origin: germline. Affected: yes. Observed: 2 variant alleles.
Comment: MAST1: PM2